The following is an entry in ClinVar:

ClinVar aggregate classification (germline): Uncertain significance (1 of 4 stars; one submission).

gnomAD v4.1: 1 of 1,611,152 alleles (0.000062%); highest among the groups gnomAD compares: Admixed American, 0.0017%; no homozygotes.

Submission:

GeneDx
Classification: Uncertain significance. Last evaluated: 2024-10-02. Review status: criteria provided, single submitter. Criteria: GeneDx Variant Classification Process June 2021. Collection method: clinical testing. Allele origin: germline. Affected: yes.
Comment: Not observed at significant frequency in large population cohorts (gnomAD); In silico analysis indicates that this missense variant does not alter protein structure/function; Has not been previously published as pathogenic or benign to our knowledge

NM_003923.3(FOXH1):c.821G>T (p.Trp274Leu)

Gene: FOXH1 (forkhead box H1; minus strand). Cytogenetic location: 8q24.3.
Variant type: single nucleotide variant.
Coding change: c.821G>T on transcript NM_003923.3 (MANE Select); coding-DNA position 821, G replaced by T.
Protein change: p.Trp274Leu; replaces tryptophan 274 with leucine.
Molecular consequence: missense variant.
Genome position (GRCh38, 1-based): chr8:144,474,515, C>A on the plus strand (G>T on the coding strand, the complement: FOXH1 is on the minus strand). VCF-style: chr8-144474515-C-A. GRCh37 (hg19) VCF-style: chr8-145699898-C-A.
Other names: short protein forms W274L.
Identifiers: ClinVar variation 3776551 (VCV003776551.1).